The following is an entry in ClinVar:

ClinVar aggregate classification (germline): Likely benign (0 of 4 stars; one submission).

Conditions:
TBX3-related disorder. Also called: TBX3-related condition.

Allele frequency attached by ClinVar (database versions not stated): ESP Exome Variant Server 0.00008.
gnomAD v4.1: 41 of 1,609,318 alleles (0.0025%); highest among the groups gnomAD compares: Middle Eastern, 0.037%; no homozygotes.

Submission:

PreventionGenetics, part of Exact Sciences
Classification: Likely benign for TBX3-related condition. Last evaluated: 2023-12-15. Review status: no assertion criteria provided. Collection method: clinical testing. Allele origin: germline.
Comment: This variant is classified as likely benign based on ACMG/AMP sequence variant interpretation guidelines (Richards et al. 2015 PMID: 25741868, with internal and published modifications).

NM_005996.4(TBX3):c.-1G>C

Genes: TBX3 (T-box transcription factor 3; minus strand), TBX3-AS1 (TBX3 antisense RNA 1; plus strand). Cytogenetic location: 12q24.21.
Variant type: single nucleotide variant.
Coding change: c.-1G>C on transcript NM_005996.4 (MANE Select); 1 bases upstream of the start codon, G replaced by C.
Molecular consequence: 5 prime UTR variant.
Genome position (GRCh38, 1-based): chr12:114,683,201, C>G on the plus strand (G>C on the coding strand, the complement: TBX3 is on the minus strand). VCF-style: chr12-114683201-C-G. GRCh37 (hg19) VCF-style: chr12-115121006-C-G.
Other names: c.-1G>C (NM_016569.4).
Identifiers: ClinVar variation 3052954 (VCV003052954.2), dbSNP rs144772866, ClinGen allele CA6810287.